The following is an entry in ClinVar:

NM_033100.4(CDHR1):c.424G>T (p.Ala142Ser)

Gene: CDHR1 (cadherin related family member 1; plus strand). Cytogenetic location: 10q23.1.
Variant type: single nucleotide variant.
Coding change: c.424G>T on transcript NM_033100.4 (MANE Select); coding-DNA position 424, G replaced by T.
Protein change: p.Ala142Ser; replaces alanine 142 with serine.
Molecular consequence: missense variant.
Genome position (GRCh38, 1-based): chr10:84,199,107, G>T. VCF-style: chr10-84199107-G-T. GRCh37 (hg19) VCF-style: chr10-85958863-G-T.
Other names: c.424G>T, p.Ala142Ser (NM_001171971.3); short protein forms A142S.
Identifiers: ClinVar variation 1014179 (VCV001014179.8), dbSNP rs1842079343, ClinGen allele CA377371103.
Genomic context (GRCh38, chr10:84,199,107, plus strand): 5'-GTGATCCTGGTGACCGATGCCAATGATGAGGCGCCCAGGTTCATCCAGGAGCCTTATGTT[G>T]CCCTGGTTCCCGAGGTAAGTGAGGAGCTGCTAGAGGGGCTGATTTTCCCACCCAGGCCCA-3'
Protein context (NP_149091.1, residues 132-152): APRFIQEPYV[Ala142Ser]LVPEDIPAGS

ClinVar aggregate classification (germline): Uncertain significance (1 of 4 stars; one submission).

Submission:

Labcorp Genetics (formerly Invitae), Labcorp
Classification: Uncertain significance. Last evaluated: 2020-09-23. Review status: criteria provided, single submitter. Criteria: Invitae Variant Classification Sherloc (09022015). Collection method: clinical testing. Allele origin: germline.
Comment: This sequence change replaces alanine with serine at codon 142 of the CDHR1 protein (p.Ala142Ser). The alanine residue is weakly conserved and there is a moderate physicochemical difference between alanine and serine. Advanced modeling of protein sequence and biophysical properties (such as structural, functional, and spatial information, amino acid conservation, physicochemical variation, residue mobility, and thermodynamic stability) performed at Invitae indicates that this missense variant is not expected to disrupt CDHR1 protein function. In summary, the available evidence is currently insufficient to determine the role of this variant in disease. Therefore, it has been classified as a Variant of Uncertain Significance. This variant is not present in population databases (ExAC no frequency). This variant has not been reported in the literature in individuals with CDHR1-related conditions.